The following is an entry in ClinVar:

NM_014363.6(SACS):c.-13A>G

Gene: SACS (sacsin molecular chaperone; minus strand). Cytogenetic location: 13q12.12.
Variant type: single nucleotide variant.
Coding change: c.-13A>G on transcript NM_014363.6 (MANE Select); 13 bases upstream of the start codon, A replaced by G.
Molecular consequence: 5 prime UTR variant.
Genome position (GRCh38, 1-based): chr13:23,411,252, T>C on the plus strand (A>G on the coding strand, the complement: SACS is on the minus strand). VCF-style: chr13-23411252-T-C. GRCh37 (hg19) VCF-style: chr13-23985391-T-C.
Identifiers: ClinVar variation 260389 (VCV000260389.17), dbSNP rs17078720, ClinGen allele CA6912215.
Genomic context (GRCh38, chr13:23,411,252, plus strand): 5'-TTGTCATTTAAAACATTAACTCATTTACCTGTTCTCCTTGGTCTCCATGATCACTTCTCC[T>C]GGGATATTTGTTTGTGAAAACCATGAAAGTACGCTTCTTTCTTCTGTTTAAGTCTTCCCT-3'

ClinVar aggregate classification (germline): Benign/Likely benign. Review status: criteria provided, multiple submitters, no conflicts (2 of 4 stars). 8 submissions from 8 submitters: Benign (4); Likely benign (2). 2 of the submissions do not count toward it. Last evaluated 2024-11-27.

Conditions:
Charlevoix-Saguenay spastic ataxia (SACS). Also called: AUTOSOMAL RECESSIVE SPASTIC ATAXIA OF CHARLEVOIX-SAGUENAY; Spastic ataxia of Charlevoix-Saguenay; SPASTIC ATAXIA 6, AUTOSOMAL RECESSIVE. Identifiers: Orphanet 98, MedGen C1849140, MONDO:0010041, OMIM 270550.

Allele frequency attached by ClinVar (database versions not stated): TOPMed 0.27428; ESP Exome Variant Server 0.27650; gnomAD 0.27905 and 0.28576; 1000 Genomes Project 30x 0.30450; 1000 Genomes Project 0.31110; gnomAD exomes 0.32386.
gnomAD v4.1: 511,742 of 1,595,820 alleles (32%); highest among the groups gnomAD compares: East Asian, 44%; 85,085 homozygotes.

Submissions (8):

Blueprint Genetics
Classification: Likely benign. Last evaluated: 2024-11-27. Review status: criteria provided, single submitter. Criteria: ACMG Guidelines, 2015. Collection method: clinical testing. Allele origin: germline.

Genome-Nilou Lab
Classification: Benign for Charlevoix-Saguenay spastic ataxia. Last evaluated: 2021-07-01. Review status: criteria provided, single submitter. Criteria: ACMG Guidelines, 2015. Collection method: clinical testing. Allele origin: germline. Affected: no.

GeneDx
Classification: Benign. Last evaluated: 2018-07-06. Review status: criteria provided, single submitter. Criteria: GeneDx Variant Classification Process June 2021. Collection method: clinical testing. Allele origin: germline. Affected: yes.

Women's Health and Genetics/Laboratory Corporation of America, LabCorp
Classification: Benign. Last evaluated: 2018-06-04. Review status: criteria provided, single submitter. Criteria: LabCorp Variant Classification Summary - May 2015. Collection method: clinical testing. Allele origin: germline.
Comment: Variant summary: SACS c.-13A>G is located in the untranslated mRNA region upstream of the initiation codon. The variant allele was found at a frequency of 0.32 in 120084 control chromosomes in the ExAC database, including 6625 homozygotes. The observed variant frequency is approximately 41 fold above the estimated maximal expected allele frequency for a pathogenic variant in SACS causing Autosomal Recessive Spastic Ataxia of Charlevoix-Saguenay phenotype (0.0079), strongly suggesting that the variant is benign. To our knowledge, no occurrence of c.-13A>G in individuals affected with Autosomal Recessive Spastic Ataxia of Charlevoix-Saguenay and no experimental evidence demonstrating its impact on protein function have been reported. One clinical diagnostic laboratory has submitted clinical-significance assessments for this variant to ClinVar after 2014 without evidence for independent evaluation and classified the variant as likely benign. Based on the evidence outlined above, the variant was classified as benign.

Breakthrough Genomics
Classification: Likely benign. Review status: criteria provided, single submitter. Criteria: ACMG Guidelines, 2015. Collection method: not provided. Allele origin: germline. Inheritance: Autosomal recessive inheritance. Affected: yes.

PreventionGenetics, part of Exact Sciences
Classification: Benign. Review status: criteria provided, single submitter. Criteria: ACMG Guidelines, 2015. Collection method: clinical testing. Allele origin: germline.

Clinical Genetics DNA and cytogenetics Diagnostics Lab, Erasmus MC, Erasmus Medical Center
Classification: Benign. Review status: no assertion criteria provided. Collection method: clinical testing. Allele origin: germline. Affected: yes. Study: VKGL Data-share Consensus. Not counted in ClinVar's aggregate classification.

Joint Genome Diagnostic Labs from Nijmegen and Maastricht, Radboudumc and MUMC+
Classification: Benign. Review status: no assertion criteria provided. Collection method: clinical testing. Allele origin: germline. Affected: yes. Study: VKGL Data-share Consensus. Not counted in ClinVar's aggregate classification.